The following is an entry in ClinVar:

NM_000256.3(MYBPC3):c.1458-7C>T

Gene: MYBPC3 (myosin binding protein C3; minus strand). Cytogenetic location: 11p11.2.
Variant type: single nucleotide variant.
Coding change: c.1458-7C>T on transcript NM_000256.3 (MANE Select); 7 bases into the intron before coding-DNA position 1458, C replaced by T.
Molecular consequence: intron variant.
Genome position (GRCh38, 1-based): chr11:47,342,751, G>A on the plus strand (C>T on the coding strand, the complement: MYBPC3 is on the minus strand). VCF-style: chr11-47342751-G-A. GRCh37 (hg19) VCF-style: chr11-47364302-G-A.
Identifiers: ClinVar variation 42534 (VCV000042534.18), dbSNP rs397515904, ClinGen allele CA010400.

ClinVar aggregate classification (germline): Likely benign. Review status: criteria provided, multiple submitters, no conflicts (2 of 4 stars). 6 submissions from 6 submitters: Likely benign (5). 1 of the submissions does not count toward it. Last evaluated 2025-11-17.

Conditions:
Cardiomyopathy (CMYO). Also called: Cardiomyopathies. Identifiers: Orphanet 167848, MedGen C0878544, MONDO:0004994, HP:0001638. Inheritance: Various modes of inheritance.
Hypertrophic cardiomyopathy. Also called: HYPERTROPHIC MYOCARDIOPATHY. Identifiers: Orphanet 217569, MedGen C0007194, MeSH D002312, MONDO:0005045, HP:0001639.

Allele frequency attached by ClinVar (database versions not stated): ExAC 0.00002; gnomAD exomes 0.00002; TOPMed 0.00004; gnomAD 0.00005 and 0.00006.
gnomAD v4.1: 43 of 1,613,450 alleles (0.0027%); highest among the groups gnomAD compares: East Asian, 0.0067%; no homozygotes.

Submissions (6):

Labcorp Genetics (formerly Invitae), Labcorp
Classification: Likely benign for Hypertrophic cardiomyopathy. Last evaluated: 2025-11-17. Review status: criteria provided, single submitter. Criteria: Invitae Variant Classification Sherloc (09022015). Collection method: clinical testing. Allele origin: germline.

ARUP Laboratories, Molecular Genetics and Genomics, ARUP Laboratories
Classification: Likely benign. Last evaluated: 2023-12-19. Review status: criteria provided, single submitter. Criteria: ARUP Molecular Germline Variant Investigation Process 2024. Collection method: clinical testing. Allele origin: germline.

All of Us Research Program, National Institutes of Health
Classification: Likely benign for Hypertrophic cardiomyopathy. Last evaluated: 2023-12-01. Review status: criteria provided, single submitter. Criteria: ACMG Guidelines, 2015. Collection method: clinical testing. Allele origin: germline. Inheritance: Autosomal dominant inheritance. Observed: 8 variant alleles, 8 heterozygotes.
Comment: This study involves interpretation of variants in research participants for the purpose of population health screening. Participant phenotype was not available at the time of variant classification. Additional details can be found in publication PMID: 35346344, PMCID: PMC8962531

Blueprint Genetics
Classification: Likely benign. Last evaluated: 2023-10-30. Review status: criteria provided, single submitter. Criteria: ACMG Guidelines, 2015. Collection method: clinical testing. Allele origin: germline.

Color Diagnostics, LLC DBA Color Health
Classification: Likely benign for Cardiomyopathy. Last evaluated: 2018-10-16. Review status: criteria provided, single submitter. Criteria: ACMG Guidelines, 2015. Collection method: clinical testing. Allele origin: germline.

Laboratory for Molecular Medicine, Mass General Brigham Personalized Medicine
Classification: Uncertain significance. Last evaluated: 2008-03-01. Review status: no assertion criteria provided. Collection method: clinical testing. Allele origin: germline. Observed: 1 variant allele. Not counted in ClinVar's aggregate classification.

Literature cited by the submitters: PubMed 23233322 (cited by Laboratory for Molecular Medicine, Mass General Brigham Personalized Medicine).